The following is an entry in ClinVar:

NM_001079802.2(FKTN):c.66del (p.Gln24fs)

Gene: FKTN (fukutin; plus strand). Cytogenetic location: 9q31.2.
Variant type: Deletion.
Coding change: c.66del on transcript NM_001079802.2 (MANE Select); coding-DNA position 66, one base deleted (G; older notation c.66delG).
Protein change: p.Gln24fs; shifts the reading frame from glutamine 24.
Molecular consequence: frameshift variant. On other transcripts: 5 prime UTR variant (5), non-coding transcript variant (2).
Genome position (GRCh38, 1-based): chr9:105,575,098, G deleted. VCF-style (leftmost placement, unchanged base first): chr9-105575097-TG-T. GRCh37 (hg19) VCF-style: chr9-108337378-TG-T.
Other names: c.66del, p.Gln24fs (NM_001198963.2, NM_001351496.2, NM_001351498.2 and 1 more transcripts); c.-102del (NM_001351497.2); c.-449del (NM_001351499.2, NM_001351500.2, NM_001351501.2 and 1 more transcripts); short protein forms Q24fs.
Identifiers: ClinVar variation 5012850 (VCV005012850.1).
Genomic context (GRCh38, chr9:105,575,097, plus strand): 5'-GTAGAATCAATAAGAACGTGGTTTTGGCCCTTTTAACGCTGACAAGTTCTGCATTTCTGC[TG>T]TTTCAGTTGTACTACTACAAGCACTATTTATCAACAAAGGTAATTTTATTCCTTCTTTCT-3'

ClinVar aggregate classification (germline): Pathogenic (1 of 4 stars; one submission).

Conditions:
Myopathy caused by variation in FKTN. Identifiers: MedGen CN305638, MONDO:0700067.

Submission:

Myriad Genetics, Inc.
Classification: Pathogenic for Myopathy caused by variation in FKTN. Last evaluated: 2024-03-22. Review status: criteria provided, single submitter. Criteria: Myriad Autosomal Dominant, Autosomal Recessive and X-Linked Classification Criteria (2023). Collection method: clinical testing. Allele origin: unknown.
Comment: NM_001079802.1(FKTN):c.66delG(Q24Sfs*41) is expected to be pathogenic in the context of FKTN-related disorders. This variant is predicted to lead to an abnormal or absent protein product due to the creation of a premature termination codon in FKTN, a gene where loss-of-function variants are known to be pathogenic. Please note: this variant was assessed in the context of healthy population screening.